The following is an entry in ClinVar:

NM_001220.5(CAMK2B):c.341+5G>C

Gene: CAMK2B (calcium/calmodulin dependent protein kinase II beta; minus strand). Cytogenetic location: 7p13.
Variant type: single nucleotide variant.
Coding change: c.341+5G>C on transcript NM_001220.5 (MANE Select); 5 bases into the intron after coding-DNA position 341, G replaced by C.
Molecular consequence: intron variant.
Genome position (GRCh38, 1-based): chr7:44,254,537, C>G on the plus strand (G>C on the coding strand, the complement: CAMK2B is on the minus strand). VCF-style: chr7-44254537-C-G. GRCh37 (hg19) VCF-style: chr7-44294136-C-G.
Other names: c.341+5G>C (NM_172084.3, NM_172080.3, NM_172083.3 and 5 more transcripts).
Identifiers: ClinVar variation 3368851 (VCV003368851.2).

ClinVar aggregate classification (germline): Uncertain significance (1 of 4 stars; one submission).

Submission:

GeneDx
Classification: Uncertain significance. Last evaluated: 2025-08-11. Review status: criteria provided, single submitter. Criteria: GeneDx Variant Classification Process June 2021. Collection method: clinical testing. Allele origin: germline.
Comment: Not observed at significant frequency in large population cohorts (gnomAD); In silico analysis supports a deleterious effect on splicing; Has not been previously published as pathogenic or benign to our knowledge